The following is an entry in ClinVar:

ClinVar aggregate classification (germline): Uncertain significance (1 of 4 stars; one submission).

Allele frequency attached by ClinVar (database versions not stated): gnomAD exomes below 0.00001.
gnomAD v4.1: 1 of 1,475,108 alleles (0.000068%); highest among the groups gnomAD compares: Non-Finnish European, 0.000091%; no homozygotes.

Submission:

GeneDx
Classification: Uncertain significance. Last evaluated: 2023-12-05. Review status: criteria provided, single submitter. Criteria: GeneDx Variant Classification Process June 2021. Collection method: clinical testing. Allele origin: germline. Affected: yes.
Comment: Not observed at significant frequency in large population cohorts (gnomAD); Nonsense variant predicted to result in protein truncation or nonsense mediated decay in a gene for which loss-of-function is not a known mechanism of disease; Has not been previously published as pathogenic or benign to our knowledge

NM_006939.4(SOS2):c.16C>T (p.Gln6Ter)

Genes: SOS2 (SOS Ras/Rho guanine nucleotide exchange factor 2; minus strand), LOC130055588 (ATAC-STARR-seq lymphoblastoid silent region 5718; plus strand). Cytogenetic location: 14q21.3.
Variant type: single nucleotide variant.
Coding change: c.16C>T on transcript NM_006939.4 (MANE Select); coding-DNA position 16, C replaced by T.
Protein change: p.Gln6Ter; replaces glutamine 6 with a stop codon.
Molecular consequence: nonsense.
Genome position (GRCh38, 1-based): chr14:50,231,268, G>A on the plus strand (C>T on the coding strand, the complement: SOS2 is on the minus strand). VCF-style: chr14-50231268-G-A. GRCh37 (hg19) VCF-style: chr14-50697986-G-A.
Other names: c.16C>T, p.Gln6Ter (NM_001411020.1); short protein forms Q6*.
Identifiers: ClinVar variation 3253568 (VCV003253568.1), dbSNP rs2503347249.